The following is an entry in ClinVar:

ClinVar aggregate classification (germline): Uncertain significance (1 of 4 stars; one submission).

Conditions:
Cardiomyopathy (CMYO). Also called: Cardiomyopathies. Identifiers: Orphanet 167848, MedGen C0878544, MONDO:0004994, HP:0001638. Inheritance: Various modes of inheritance.

gnomAD v4.1: 1 of 1,614,190 alleles (0.000062%); highest among the groups gnomAD compares: Non-Finnish European, 0.000085%; no homozygotes.

Submission:

Color Diagnostics, LLC DBA Color Health
Classification: Uncertain significance for Cardiomyopathy. Last evaluated: 2025-07-14. Review status: criteria provided, single submitter. Criteria: ACMG Guidelines, 2015. Collection method: clinical testing. Allele origin: germline.
Comment: This missense variant replaces asparagine with isoleucine at codon 287 of the DSG2 protein. Computational prediction suggests that this variant may not impact protein structure and function. To our knowledge, functional studies have not been reported for this variant. This variant has not been reported in individuals affected with DSG2-related disorders in the literature. This variant has not been identified in the general population by the Genome Aggregation Database (gnomAD). The available evidence is insufficient to determine the role of this variant in disease conclusively. Therefore, this variant is classified as a Variant of Uncertain Significance.

NM_001943.5(DSG2):c.860A>T (p.Asn287Ile)

Gene: DSG2 (desmoglein 2; plus strand). Cytogenetic location: 18q12.1.
Variant type: single nucleotide variant.
Coding change: c.860A>T on transcript NM_001943.5 (MANE Select); coding-DNA position 860, A replaced by T.
Protein change: p.Asn287Ile; replaces asparagine 287 with isoleucine.
Molecular consequence: missense variant.
Genome position (GRCh38, 1-based): chr18:31,524,734, A>T. VCF-style: chr18-31524734-A-T. GRCh37 (hg19) VCF-style: chr18-29104697-A-T.
Other names: short protein forms N287I.
Identifiers: ClinVar variation 4757465 (VCV004757465.1).